The following is an entry in ClinVar:

ClinVar aggregate classification (germline): Uncertain significance. Review status: criteria provided, multiple submitters, no conflicts (2 of 4 stars). 2 submissions from 2 submitters: Uncertain significance (2). Last evaluated 2021-09-08.

Allele frequency attached by ClinVar (database versions not stated): gnomAD 0.00002; TOPMed 0.00002; gnomAD exomes 0.00005; ExAC 0.00007.
gnomAD v4.1: 41 of 1,603,646 alleles (0.0026%); highest among the groups gnomAD compares: Admixed American, 0.015%; no homozygotes.

Submissions (2):

Labcorp Genetics (formerly Invitae), Labcorp
Classification: Uncertain significance. Last evaluated: 2021-09-08. Review status: criteria provided, single submitter. Criteria: Invitae Variant Classification Sherloc (09022015). Collection method: clinical testing. Allele origin: germline.
Comment: This sequence change replaces proline with leucine at codon 3330 of the MYO15A protein (p.Pro3330Leu). The proline residue is highly conserved and there is a moderate physicochemical difference between proline and leucine. This variant is present in population databases (rs773842831, ExAC 0.03%). This variant has not been reported in the literature in individuals affected with MYO15A-related conditions. Advanced modeling of protein sequence and biophysical properties (such as structural, functional, and spatial information, amino acid conservation, physicochemical variation, residue mobility, and thermodynamic stability) performed at Invitae indicates that this missense variant is not expected to disrupt MYO15A protein function. In summary, the available evidence is currently insufficient to determine the role of this variant in disease. Therefore, it has been classified as a Variant of Uncertain Significance.

Blueprint Genetics
Classification: Uncertain significance. Last evaluated: 2017-09-15. Review status: criteria provided, single submitter. Criteria: ACMG Guidelines, 2015. Collection method: clinical testing. Allele origin: germline.

NM_016239.4(MYO15A):c.9989C>T (p.Pro3330Leu)

Gene: MYO15A (myosin XVA; plus strand). Cytogenetic location: 17p11.2.
Variant type: single nucleotide variant.
Coding change: c.9989C>T on transcript NM_016239.4 (MANE Select); coding-DNA position 9989, C replaced by T.
Protein change: p.Pro3330Leu; replaces proline 3330 with leucine.
Molecular consequence: missense variant.
Genome position (GRCh38, 1-based): chr17:18,167,630, C>T. VCF-style: chr17-18167630-C-T. GRCh37 (hg19) VCF-style: chr17-18070944-C-T.
Other names: short protein forms P3330L.
Identifiers: ClinVar variation 1519932 (VCV001519932.6), dbSNP rs773842831, ClinGen allele CA8425763.